The following is an entry in ClinVar:

NM_000059.4(BRCA2):c.68-3T>C

Gene: BRCA2 (BRCA2 DNA repair associated; plus strand). Cytogenetic location: 13q13.1.
Variant type: single nucleotide variant.
Coding change: c.68-3T>C on transcript NM_000059.4 (MANE Select); 3 bases into the intron before coding-DNA position 68, T replaced by C.
Molecular consequence: intron variant.
Genome position (GRCh38, 1-based): chr13:32,319,074, T>C. VCF-style: chr13-32319074-T-C. GRCh37 (hg19) VCF-style: chr13-32893211-T-C.
Identifiers: ClinVar variation 1383982 (VCV001383982.6), dbSNP rs786201770, ClinGen allele CA2573149274.

ClinVar aggregate classification (germline): Uncertain significance (1 of 4 stars; one submission).

Conditions:
Hereditary breast ovarian cancer syndrome. Also called: Hereditary breast and ovarian cancer syndrome (HBOC); Breast and ovarian cancer; BRCA1- and BRCA2-Associated Hereditary Breast and Ovarian Cancer; Hereditary breast and ovarian cancer; Hereditary breast and ovarian cancer syndrome; Hereditary breast and/or ovarian cancer syndrome. Identifiers: Orphanet 145, MedGen C0677776, MeSH D061325, MONDO:0003582. Disease mechanism: loss of function.

Submission:

Labcorp Genetics (formerly Invitae), Labcorp
Classification: Uncertain significance for Hereditary breast ovarian cancer syndrome. Last evaluated: 2026-01-05. Review status: criteria provided, single submitter. Criteria: Invitae Variant Classification Sherloc (09022015). Collection method: clinical testing. Allele origin: germline.
Comment: This sequence change falls in intron 2 of the BRCA2 gene. It does not directly change the encoded amino acid sequence of the BRCA2 protein. It affects a nucleotide within the consensus splice site. This variant is not present in population databases (gnomAD no frequency). This variant has not been reported in the literature in individuals affected with BRCA2-related conditions. ClinVar contains an entry for this variant (Variation ID: 1383982). Variants that disrupt the consensus splice site are a relatively common cause of aberrant splicing (PMID: 17576681, 9536098). Algorithms developed to predict the effect of sequence changes on RNA splicing suggest that this variant is not likely to affect RNA splicing. In summary, the available evidence is currently insufficient to determine the role of this variant in disease. Therefore, it has been classified as a Variant of Uncertain Significance.

Literature cited by the submitters: PubMed 17576681; PubMed 9536098.